The following is an entry in ClinVar:

ClinVar aggregate classification (germline): Uncertain significance (1 of 4 stars; one submission).

Submission:

Labcorp Genetics (formerly Invitae), Labcorp
Classification: Uncertain significance. Last evaluated: 2022-05-15. Review status: criteria provided, single submitter. Criteria: Invitae Variant Classification Sherloc (09022015). Collection method: clinical testing. Allele origin: germline.
Comment: In summary, the available evidence is currently insufficient to determine the role of this variant in disease. Therefore, it has been classified as a Variant of Uncertain Significance. Advanced modeling of protein sequence and biophysical properties (such as structural, functional, and spatial information, amino acid conservation, physicochemical variation, residue mobility, and thermodynamic stability) performed at Invitae indicates that this missense variant is not expected to disrupt PCYT1A protein function. This variant has not been reported in the literature in individuals affected with PCYT1A-related conditions. This variant is not present in population databases (gnomAD no frequency). This sequence change replaces lysine, which is basic and polar, with arginine, which is basic and polar, at codon 341 of the PCYT1A protein (p.Lys341Arg).

NM_001312673.2(PCYT1A):c.1022A>G (p.Lys341Arg)

Gene: PCYT1A (phosphate cytidylyltransferase 1A, choline; minus strand). Cytogenetic location: 3q29.
Variant type: single nucleotide variant.
Coding change: c.1022A>G on transcript NM_001312673.2 (MANE Select); coding-DNA position 1022, A replaced by G.
Protein change: p.Lys341Arg; replaces lysine 341 with arginine.
Molecular consequence: missense variant.
Genome position (GRCh38, 1-based): chr3:196,238,770, T>C on the plus strand (A>G on the coding strand, the complement: PCYT1A is on the minus strand). VCF-style: chr3-196238770-T-C. GRCh37 (hg19) VCF-style: chr3-195965641-T-C.
Other names: c.1022A>G, p.Lys341Arg (NM_005017.4); short protein forms K341R.
Identifiers: ClinVar variation 1994812 (VCV001994812.4), dbSNP rs2474014936, ClinGen allele CA355607833.